The following is an entry in ClinVar:

ClinVar aggregate classification (germline): Uncertain significance (1 of 4 stars; one submission).

Allele frequency attached by ClinVar (database versions not stated): gnomAD exomes 0.00002; ExAC 0.00004.
gnomAD v4.1: 18 of 1,613,344 alleles (0.0011%); highest among the groups gnomAD compares: Middle Eastern, 0.016%; no homozygotes.

Submission:

Labcorp Genetics (formerly Invitae), Labcorp
Classification: Uncertain significance. Last evaluated: 2022-08-10. Review status: criteria provided, single submitter. Criteria: Invitae Variant Classification Sherloc (09022015). Collection method: clinical testing. Allele origin: germline.
Comment: In summary, the available evidence is currently insufficient to determine the role of this variant in disease. Therefore, it has been classified as a Variant of Uncertain Significance. Algorithms developed to predict the effect of missense changes on protein structure and function are either unavailable or do not agree on the potential impact of this missense change (SIFT: "Deleterious"; PolyPhen-2: "Benign"; Align-GVGD: "Class C0"). ClinVar contains an entry for this variant (Variation ID: 1501765). This variant has not been reported in the literature in individuals affected with RAI1-related conditions. This variant is present in population databases (rs781689576, gnomAD 0.02%). This sequence change replaces glycine, which is neutral and non-polar, with aspartic acid, which is acidic and polar, at codon 1496 of the RAI1 protein (p.Gly1496Asp).

NM_030665.4(RAI1):c.4487G>A (p.Gly1496Asp)

Gene: RAI1 (retinoic acid induced 1; plus strand). Cytogenetic location: 17p11.2.
Variant type: single nucleotide variant.
Coding change: c.4487G>A on transcript NM_030665.4 (MANE Select); coding-DNA position 4487, G replaced by A.
Protein change: p.Gly1496Asp; replaces glycine 1496 with aspartic acid.
Molecular consequence: missense variant.
Genome position (GRCh38, 1-based): chr17:17,797,435, G>A. VCF-style: chr17-17797435-G-A. GRCh37 (hg19) VCF-style: chr17-17700749-G-A.
Other names: short protein forms G1496D.
Identifiers: ClinVar variation 1501765 (VCV001501765.6), dbSNP rs781689576, ClinGen allele CA8418966.
Genomic context (GRCh38, chr17:17,797,435, plus strand): 5'-CTCCCCGAGACAGGGCCAGTGGCACACAAGGGGCCAGTGAGGACAACTCTGGTGGAGGAG[G>A]CAAGAAGCCAAAGATGGAGGAGCTGGGCCTGGCCTCCCAGCCCCCGGAGGGCAGGCCCTG-3'
Protein context (NP_109590.3, residues 1486-1506): GASEDNSGGG[Gly1496Asp]KKPKMEELGL